The following is an entry in ClinVar:

NM_006612.6(KIF1C):c.1267C>G (p.Leu423Val)

Gene: KIF1C (kinesin family member 1C; plus strand). Cytogenetic location: 17p13.2.
Variant type: single nucleotide variant.
Coding change: c.1267C>G on transcript NM_006612.6 (MANE Select); coding-DNA position 1267, C replaced by G.
Protein change: p.Leu423Val; replaces leucine 423 with valine.
Molecular consequence: missense variant.
Genome position (GRCh38, 1-based): chr17:5,007,016, C>G. VCF-style: chr17-5007016-C-G. GRCh37 (hg19) VCF-style: chr17-4910311-C-G.
Other names: short protein forms L423V.
Identifiers: ClinVar variation 2894022 (VCV002894022.3), dbSNP rs1034923851, ClinGen allele CA287216039.

ClinVar aggregate classification (germline): Uncertain significance (1 of 4 stars; one submission).

Conditions:
Spastic ataxia 2. Also called: Ataxia, spastic, 2, autosomal recessive. Identifiers: Orphanet 397946, MedGen C1969796, MONDO:0012651, OMIM 611302.

gnomAD v4.1: 12 of 1,609,884 alleles (0.00075%); highest among the groups gnomAD compares: Middle Eastern, 0.083%; no homozygotes.

Submission:

Labcorp Genetics (formerly Invitae), Labcorp
Classification: Uncertain significance for Spastic ataxia 2. Last evaluated: 2024-01-02. Review status: criteria provided, single submitter. Criteria: Invitae Variant Classification Sherloc (09022015). Collection method: clinical testing. Allele origin: germline.
Comment: This sequence change replaces leucine, which is neutral and non-polar, with valine, which is neutral and non-polar, at codon 423 of the KIF1C protein (p.Leu423Val). This variant is present in population databases (no rsID available, gnomAD no frequency). This variant has not been reported in the literature in individuals affected with KIF1C-related conditions. An algorithm developed to predict the effect of missense changes on protein structure and function (PolyPhen-2) suggests that this variant is likely to be tolerated. In summary, the available evidence is currently insufficient to determine the role of this variant in disease. Therefore, it has been classified as a Variant of Uncertain Significance.